The following is an entry in ClinVar:

ClinVar aggregate classification (germline): Uncertain significance (1 of 4 stars; one submission).

Conditions:
Hereditary cancer-predisposing syndrome. Also called: Hereditary Cancer Syndrome; Hereditary neoplastic syndrome; Neoplastic Syndromes, Hereditary; Tumor predisposition. Identifiers: Orphanet 140162, MedGen C0027672, MeSH D009386, MONDO:0015356.

Submission:

Ambry Genetics
Classification: Uncertain significance for Hereditary cancer-predisposing syndrome. Last evaluated: 2025-06-03. Review status: criteria provided, single submitter. Criteria: Ambry Variant Classification Scheme 2023. Collection method: clinical testing. Allele origin: germline.
Comment: The p.I2683V variant (also known as c.8047A>G), located in coding exon 15 of the APC gene, results from an A to G substitution at nucleotide position 8047. The isoleucine at codon 2683 is replaced by valine, an amino acid with highly similar properties. This amino acid position is conserved. In addition, in silico predictors for this gene do not accurately predict pathogenicity. Based on the available evidence, the clinical significance of this variant remains unclear.

NM_000038.6(APC):c.8047A>G (p.Ile2683Val)

Gene: APC (APC regulator of Wnt signaling pathway; plus strand). Cytogenetic location: 5q22.2.
Variant type: single nucleotide variant.
Coding change: c.8047A>G on transcript NM_000038.6 (MANE Select); coding-DNA position 8047, A replaced by G.
Protein change: p.Ile2683Val; replaces isoleucine 2683 with valine.
Molecular consequence: missense variant. On other transcripts: non-coding transcript variant (2).
Genome position (GRCh38, 1-based): chr5:112,843,641, A>G. VCF-style: chr5-112843641-A-G. GRCh37 (hg19) VCF-style: chr5-112179338-A-G.
Other names: c.8047A>G, p.Ile2683Val (NM_001127510.3, NM_001354895.2, NM_001407450.1); c.7993A>G, p.Ile2665Val (NM_001127511.3); c.8101A>G, p.Ile2701Val (NM_001354896.2, NM_001407447.1, NM_001407448.1 and 1 more transcripts); c.8077A>G, p.Ile2693Val (NM_001354897.2); c.7972A>G, p.Ile2658Val (NM_001354898.2); c.7963A>G, p.Ile2655Val (NM_001354899.2); c.7924A>G, p.Ile2642Val (NM_001354900.2); c.7870A>G, p.Ile2624Val (NM_001354901.2, NM_001407453.1); and 11 more; short protein forms I2299V, I2554V, I2592V, I2600V, I2624V, I2655V, I2693V, I2701V.
Identifiers: ClinVar variation 3927230 (VCV003927230.1).
Genomic context (GRCh38, chr5:112,843,641, plus strand): 5'-GACTGTCCCATTAACAATCCTAGATCTGGAAGATCTCCCACAGGTAATACTCCCCCGGTG[A>G]TTGACAGTGTTTCAGAAAAGGCAAATCCAAACATTAAAGATTCAAAAGATAATCAGGCAA-3'
Protein context (NP_000029.2, residues 2673-2693): RSPTGNTPPV[Ile2683Val]DSVSEKANPN